The following is an entry in ClinVar:

NC_000006.12:g.(?_73461845)_(73462081_?)dup

Gene: MTO1 (mitochondrial tRNA translation optimization 1; plus strand). Cytogenetic location: 6q13.
Variant type: Duplication.
Identifiers: ClinVar variation 833101 (VCV000833101.1).

ClinVar aggregate classification (germline): Uncertain significance (1 of 4 stars; one submission).

Conditions:
Mitochondrial hypertrophic cardiomyopathy with lactic acidosis due to MTO1 deficiency. Also called: CARDIOMYOPATHY, INFANTILE HYPERTROPHIC MITOCHONDRIAL, AND LACTIC ACIDOSIS; Combined oxidative phosphorylation deficiency 10. Identifiers: Orphanet 314637, MedGen C4749921, MONDO:0013865, OMIM 614702.

Submission:

Labcorp Genetics (formerly Invitae), Labcorp
Classification: Uncertain significance for Combined oxidative phosphorylation deficiency 10. Last evaluated: 2019-10-17. Review status: criteria provided, single submitter. Criteria: Invitae Variant Classification Sherloc (09022015). Collection method: clinical testing. Allele origin: germline.
Comment: This variant results in a copy number gain of the genomic region encompassing exon 1 of the MTO1 gene, which includes the initiator codon. The 5' end of this event is unknown as it extends beyond the assayed region for this gene and therefore may encompass additional genes. The 3' boundary is likely confined to intron 1 of the MTO1 gene. As the precise location of this event is unknown, it may be in tandem or it may be located elsewhere in the genome. This variant has not been reported in the literature in individuals with MTO1-related conditions. Experimental studies and prediction algorithms are not available or were not evaluated, and the functional significance of this variant is currently unknown. In summary, the available evidence is currently insufficient to determine the role of this variant in disease. Therefore, it has been classified as a Variant of Uncertain Significance.